The following is an entry in ClinVar:

NM_003722.5(TP63):c.1441C>T (p.Leu481Phe)

Gene: TP63 (tumor protein p63; plus strand). Cytogenetic location: 3q28.
Variant type: single nucleotide variant.
Coding change: c.1441C>T on transcript NM_003722.5 (MANE Select); coding-DNA position 1441, C replaced by T.
Protein change: p.Leu481Phe; replaces leucine 481 with phenylalanine.
Molecular consequence: missense variant.
Genome position (GRCh38, 1-based): chr3:189,886,485, C>T. VCF-style: chr3-189886485-C-T. GRCh37 (hg19) VCF-style: chr3-189604274-C-T.
Other names: c.1441C>T (NM_003722.4); c.1441C>T, p.Leu481Phe (NM_001114978.2, NM_001329144.2); c.1159C>T, p.Leu387Phe (NM_001114980.2, NM_001114981.2, NM_001329145.2); c.904C>T, p.Leu302Phe (NM_001329146.2); c.1429C>T, p.Leu477Phe (NM_001329148.2); c.1147C>T, p.Leu383Phe (NM_001329149.2); c.892C>T, p.Leu298Phe (NM_001329150.2); c.1435C>T, p.Leu479Phe (NM_001329964.2); short protein forms L298F, L479F, L481F, L302F, L383F, L387F, L477F.
Identifiers: ClinVar variation 1943795 (VCV001943795.5), dbSNP rs1160791687, ClinGen allele CA355757444.

ClinVar aggregate classification (germline): Uncertain significance. Review status: criteria provided, multiple submitters, no conflicts (2 of 4 stars). 2 submissions from 2 submitters: Uncertain significance (2). Last evaluated 2026-08-13.

Conditions:
TP63-Related Spectrum Disorders.
Inborn genetic diseases. Identifiers: MedGen C0950123, MeSH D030342.

Allele frequency attached by ClinVar (database versions not stated): gnomAD exomes below 0.00001; TOPMed below 0.00001.
gnomAD v4.1: 3 of 1,614,140 alleles (0.00019%); highest among the groups gnomAD compares: Non-Finnish European, 0.00017%; no homozygotes.

Submissions (2):

Ambry Genetics
Classification: Uncertain significance for Inborn genetic diseases. Last evaluated: 2026-08-13. Review status: criteria provided, single submitter. Criteria: Ambry Variant Classification Scheme 2023. Collection method: clinical testing. Allele origin: germline.

Labcorp Genetics (formerly Invitae), Labcorp
Classification: Uncertain significance. Last evaluated: 2023-08-07. Review status: criteria provided, single submitter. Criteria: Invitae Variant Classification Sherloc (09022015). Collection method: clinical testing. Allele origin: germline.
Comment: In summary, the available evidence is currently insufficient to determine the role of this variant in disease. Therefore, it has been classified as a Variant of Uncertain Significance. Advanced modeling of protein sequence and biophysical properties (such as structural, functional, and spatial information, amino acid conservation, physicochemical variation, residue mobility, and thermodynamic stability) has been performed at Invitae for this missense variant, however the output from this modeling did not meet the statistical confidence thresholds required to predict the impact of this variant on TP63 protein function. ClinVar contains an entry for this variant (Variation ID: 1943795). This variant has not been reported in the literature in individuals affected with TP63-related conditions. This variant is not present in population databases (gnomAD no frequency). This sequence change replaces leucine, which is neutral and non-polar, with phenylalanine, which is neutral and non-polar, at codon 481 of the TP63 protein (p.Leu481Phe).